The following is an entry in ClinVar:

NM_001165963.4(SCN1A):c.1195T>G (p.Tyr399Asp)

Gene: SCN1A (sodium voltage-gated channel alpha subunit 1; minus strand). Cytogenetic location: 2q24.3.
Variant type: single nucleotide variant.
Coding change: c.1195T>G on transcript NM_001165963.4 (MANE Select); coding-DNA position 1195, T replaced by G.
Protein change: p.Tyr399Asp; replaces tyrosine 399 with aspartic acid.
Molecular consequence: missense variant. On other transcripts: 5 prime UTR variant (1), non-coding transcript variant (1).
Genome position (GRCh38, 1-based): chr2:166,046,952, A>C on the plus strand (T>G on the coding strand, the complement: SCN1A is on the minus strand). VCF-style: chr2-166046952-A-C. GRCh37 (hg19) VCF-style: chr2-166903462-A-C.
Other names: p.Y399D:TAC>GAC; c.1195T>G, p.Tyr399Asp (NM_001165964.3, NM_001202435.3, NM_001353948.2 and 10 more transcripts); c.-1231T>G (NM_001353961.2); short protein forms Y399D.
Identifiers: ClinVar variation 206763 (VCV000206763.3), dbSNP rs796052974, ClinGen allele CA317217.
Genomic context (GRCh38, chr2:166,046,952, plus strand): 5'-GGATCAAATTTATTAGGTAGAATGAGCCCAAGAAAATGACCAATACAAAAAATATCATGT[A>C]CGTTTTCCCAGCAGCACGTAATGTCTGCAAACAAAAATATCAGAATTATTTCTCAATATT-3'
Protein context (NP_001159435.1, residues 389-409): QLTLRAAGKT[Tyr399Asp]MIFFVLVIFL

ClinVar aggregate classification (germline): Likely pathogenic (1 of 4 stars; one submission).

Submission:

GeneDx
Classification: Likely pathogenic. Last evaluated: 2021-02-05. Review status: criteria provided, single submitter. Criteria: GeneDx Variant Classification Process June 2021. Collection method: clinical testing. Allele origin: germline. Affected: yes.
Comment: Not observed in large population cohorts (Lek et al., 2016); Missense variants in this gene are often considered pathogenic (Stenson et al., 2014); In silico analysis supports that this missense variant has a deleterious effect on protein structure/function; This variant is associated with the following publications: (PMID: 29655203)